The following is an entry in ClinVar:

NM_000088.4(COL1A1):c.3008del (p.Pro1003fs)

Gene: COL1A1 (collagen type I alpha 1 chain; minus strand). Cytogenetic location: 17q21.33.
Variant type: Deletion.
Coding change: c.3008del on transcript NM_000088.4 (MANE Select); coding-DNA position 3008, one base deleted (C; older notation c.3008delC).
Protein change: p.Pro1003fs; shifts the reading frame from proline 1003.
Molecular consequence: frameshift variant.
Genome position (GRCh38, 1-based): chr17:50,188,940, G deleted on the plus strand (C on the coding strand, the reverse complement: COL1A1 is on the minus strand); the first of 6 consecutive G bases (chr17:50,188,940-50,188,945); deleting any one gives the same sequence. VCF-style (leftmost placement, unchanged base first): chr17-50188939-AG-A. GRCh37 (hg19) VCF-style: chr17-48266300-AG-A.
Other names: c.3008delC (NM_000088.3); short protein forms P1003fs.
Identifiers: ClinVar variation 572168 (VCV000572168.18), dbSNP rs72653168, ClinGen allele CA16609686.

ClinVar aggregate classification (germline): Pathogenic. Review status: criteria provided, multiple submitters, no conflicts (2 of 4 stars). 5 submissions from 5 submitters: Pathogenic (5). Last evaluated 2026-07-14.

Conditions:
Osteogenesis imperfecta (OI). Identifiers: Orphanet 666, MedGen C0029434, MeSH D010013, MONDO:0019019.
Fetal anomalies with a likely genetic cause.
Osteogenesis imperfecta type I (OI1). Also called: OI, TYPE I; OSTEOGENESIS IMPERFECTA TARDA; OSTEOGENESIS IMPERFECTA WITH BLUE SCLERAE; Osteogenesis imperfecta type 1; Classic Non-deforming Osteogenesis Imperfecta with Blue Sclerae; Lobstein's Disease. Identifiers: Orphanet 216796, Orphanet 666, MedGen C0023931, MONDO:0008146, OMIM 166200. Disease mechanism: loss of function.

Submissions (5):

Genetics Laboratory, Great Ormond Street Hospital NHS Foundation Trust, North Thames Genomic Laboratory Hub
Classification: Pathogenic for Fetal anomalies with a likely genetic cause. Last evaluated: 2026-07-14. Review status: criteria provided, single submitter. Criteria: ACGS Best Practice Guidelines for Variant Classification in Rare Disease 2024 v1.2. Collection method: clinical testing. Allele origin: germline. Affected: yes.
Comment: PS4_moderate, PM2_moderate, PVS1_very-strong

GeneDx
Classification: Pathogenic. Last evaluated: 2025-12-03. Review status: criteria provided, single submitter. Criteria: GeneDx Variant Classification Process June 2021. Collection method: clinical testing. Allele origin: germline. Affected: yes.
Comment: Identified in patients with osteogenesis imperfecta referred for genetic testing at GeneDx and in published literature (PMID: 35909573, 37270749, 35123515, 36305178, 16786509); Not observed at significant frequency in large population cohorts (gnomAD); Frameshift variant predicted to result in protein truncation or nonsense mediated decay in a gene for which loss-of-function is a known mechanism of disease; This variant is associated with the following publications: (PMID: 40282376, 16786509, 35909573, 37270749, 35123515, 36305178)

Labcorp Genetics (formerly Invitae), Labcorp
Classification: Pathogenic for Osteogenesis imperfecta type I. Last evaluated: 2025-09-14. Review status: criteria provided, single submitter. Criteria: Invitae Variant Classification Sherloc (09022015). Collection method: clinical testing. Allele origin: germline.
Comment: This sequence change creates a premature translational stop signal (p.Pro1003Leufs*105) in the COL1A1 gene. It is expected to result in an absent or disrupted protein product. Loss-of-function variants in COL1A1 are known to be pathogenic (PMID: 7942841, 9295084, 9443882). This variant is not present in population databases (gnomAD no frequency). This premature translational stop signal has been observed in individuals with osteogenesis imperfecta (PMID: 16786509). ClinVar contains an entry for this variant (Variation ID: 572168). For these reasons, this variant has been classified as Pathogenic.

Genome Diagnostics Laboratory, The Hospital for Sick Children
Classification: Pathogenic for Osteogenesis imperfecta. Last evaluated: 2019-10-01. Review status: criteria provided, single submitter. Criteria: ACMG Guidelines, 2015. Collection method: clinical testing. Allele origin: germline.

Clinical Biomedical Laboratory, Shriners Hospital For Children - Canada
Classification: Pathogenic for Osteogenesis imperfecta type I. Review status: criteria provided, single submitter. Criteria: ACMG Guidelines, 2015. Collection method: clinical testing. Allele origin: germline. Affected: yes.
Comment: This variant is predicted to substitute a glycine residue by an alanine residue and introduce a stop codon 105 amino acids downstream. This is expected to lead to degradation of the affected transcript and loss of function of the affected allele. This variant is absent from the Genome Aggregation Database (v2.1.1.), indicating it is very rare. Based on the ACMG variant interpretation guidelines (criteria: PVS1, PM2, PP4), the available evidence supports classification of this variant as pathogenic.

Literature cited by the submitters: PubMed 7942841 (cited by Labcorp Genetics (formerly Invitae), Labcorp); PubMed 9295084 (cited by Labcorp Genetics (formerly Invitae), Labcorp); PubMed 9443882 (cited by Labcorp Genetics (formerly Invitae), Labcorp); PubMed 16786509 (cited by Labcorp Genetics (formerly Invitae), Labcorp).